The following is an entry in ClinVar:

ClinVar aggregate classification (germline): Likely benign. Review status: criteria provided, multiple submitters, no conflicts (2 of 4 stars). 2 submissions from 2 submitters: Likely benign (2). Last evaluated 2025-11-26.

Conditions:
Baller-Gerold syndrome (BGS). Also called: CRANIOSYNOSTOSIS WITH RADIAL DEFECTS. Identifiers: Orphanet 1225, MedGen C0265308, MONDO:0009039, OMIM 218600.

Allele frequency attached by ClinVar (database versions not stated): gnomAD 0.00001; TOPMed 0.00002; gnomAD exomes 0.00003.
gnomAD v4.1: 47 of 1,590,874 alleles (0.003%); highest among the groups gnomAD compares: Non-Finnish European, 0.0038%; no homozygotes.

Submissions (2):

Labcorp Genetics (formerly Invitae), Labcorp
Classification: Likely benign for Baller-Gerold syndrome. Last evaluated: 2025-11-26. Review status: criteria provided, single submitter. Criteria: Invitae Variant Classification Sherloc (09022015). Collection method: clinical testing. Allele origin: germline.

CeGaT Center for Human Genetics Tuebingen
Classification: Likely benign. Last evaluated: 2023-03-01. Review status: criteria provided, single submitter. Criteria: CeGaT Center For Human Genetics Tuebingen Variant Classification Criteria Version 2. Collection method: clinical testing. Allele origin: germline. Affected: yes. Observed: 1 variant allele.
Comment: RECQL4: BP4, BP7

NM_004260.4(RECQL4):c.2133G>A (p.Glu711=)

Gene: RECQL4 (RecQ like helicase 4; minus strand). Cytogenetic location: 8q24.3.
Variant type: single nucleotide variant.
Coding change: c.2133G>A on transcript NM_004260.4 (MANE Select); coding-DNA position 2133, G replaced by A.
Protein change: p.Glu711=; no amino-acid change (glutamic acid 711 retained).
Molecular consequence: synonymous variant.
Genome position (GRCh38, 1-based): chr8:144,513,638, C>T on the plus strand (G>A on the coding strand, the complement: RECQL4 is on the minus strand). VCF-style: chr8-144513638-C-T. GRCh37 (hg19) VCF-style: chr8-145739022-C-T.
Identifiers: ClinVar variation 698423 (VCV000698423.33), dbSNP rs757809740, ClinGen allele CA4948455.